The following is an entry in ClinVar:

ClinVar aggregate classification (germline): Uncertain significance (1 of 4 stars; one submission).

Conditions:
Inborn genetic diseases. Identifiers: MedGen C0950123, MeSH D030342.

Submission:

Ambry Genetics
Classification: Uncertain significance for Inborn genetic diseases. Last evaluated: 2026-08-16. Review status: criteria provided, single submitter. Criteria: Ambry Variant Classification Scheme 2023. Collection method: clinical testing. Allele origin: germline.
Comment: The p.L589F variant (also known as c.1765C>T), located in coding exon 14 of the FANCG gene, results from a C to T substitution at nucleotide position 1765. The leucine at codon 589 is replaced by phenylalanine, an amino acid with highly similar properties. This amino acid position is conserved. In addition, this alteration is predicted to be tolerated by in silico analysis. Based on the available evidence, the clinical significance of this variant remains unclear.

NM_004629.2(FANCG):c.1765C>T (p.Leu589Phe)

Gene: FANCG (FA complementation group G; minus strand). Cytogenetic location: 9p13.3.
Variant type: single nucleotide variant.
Coding change: c.1765C>T on transcript NM_004629.2 (MANE Select); coding-DNA position 1765, C replaced by T.
Protein change: p.Leu589Phe; replaces leucine 589 with phenylalanine.
Molecular consequence: missense variant.
Genome position (GRCh38, 1-based): chr9:35,074,212, G>A on the plus strand (C>T on the coding strand, the complement: FANCG is on the minus strand). VCF-style: chr9-35074212-G-A. GRCh37 (hg19) VCF-style: chr9-35074209-G-A.
Other names: short protein forms L589F.
Identifiers: ClinVar variation 5036533 (VCV005036533.1).
Genomic context (GRCh38, chr9:35,074,212, plus strand): 5'-GGAAGGCGTCACGATCAGAGGGACGGATCCAGCTCAAATAGCTTTCTAGGTACAGGGGGA[G>A]AGACCTGGAGAGAAAGAAGGATGATGCCTAAGGGTGAAAGATTGGCAGAAAGCTGGGCAG-3'
Protein context (NP_004620.1, residues 579-599): KGSHEDALWS[Leu589Phe]PLYLESYLSW